The following is an entry in ClinVar:

NM_032578.4(MYPN):c.617G>A (p.Arg206Gln)

Gene: MYPN (myopalladin; plus strand). Cytogenetic location: 10q21.3.
Variant type: single nucleotide variant.
Coding change: c.617G>A on transcript NM_032578.4 (MANE Select); coding-DNA position 617, G replaced by A.
Protein change: p.Arg206Gln; replaces arginine 206 with glutamine.
Molecular consequence: missense variant. On other transcripts: 5 prime UTR variant (1), non-coding transcript variant (1).
Genome position (GRCh38, 1-based): chr10:68,122,055, G>A. VCF-style: chr10-68122055-G-A. GRCh37 (hg19) VCF-style: chr10-69881812-G-A.
Other names: c.617G>A, p.Arg206Gln (NM_001256267.2); c.-506G>A (NM_001256268.2); c.617G>A (NM_032578.2); short protein forms R206Q.
Identifiers: ClinVar variation 2193660 (VCV002193660.3), dbSNP rs772265631, ClinGen allele CA5522300.

ClinVar aggregate classification (germline): Uncertain significance. Review status: criteria provided, multiple submitters, no conflicts (2 of 4 stars). 2 submissions from 2 submitters: Uncertain significance (2). Last evaluated 2025-04-24.

Conditions:
Cardiovascular phenotype. Identifiers: MedGen CN230736.
Dilated cardiomyopathy 1KK (CMD1KK). Identifiers: Orphanet 154, Orphanet 75249, MedGen C3714995, MONDO:0014100, OMIM 615248.

Allele frequency attached by ClinVar (database versions not stated): TOPMed below 0.00001; gnomAD 0.00001; ExAC 0.00002.

Submissions (2):

Ambry Genetics
Classification: Uncertain significance for Cardiovascular phenotype. Last evaluated: 2025-04-24. Review status: criteria provided, single submitter. Criteria: Ambry Variant Classification Scheme 2023. Collection method: clinical testing. Allele origin: germline.
Comment: The p.R206Q variant (also known as c.617G>A), located in coding exon 1 of the MYPN gene, results from a G to A substitution at nucleotide position 617. The arginine at codon 206 is replaced by glutamine, an amino acid with highly similar properties. This amino acid position is conserved. In addition, the in silico prediction for this alteration is inconclusive. Based on the available evidence, the clinical significance of this variant remains unclear.

Labcorp Genetics (formerly Invitae), Labcorp
Classification: Uncertain significance for Dilated cardiomyopathy 1KK. Last evaluated: 2022-07-27. Review status: criteria provided, single submitter. Criteria: Invitae Variant Classification Sherloc (09022015). Collection method: clinical testing. Allele origin: germline.
Comment: In summary, the available evidence is currently insufficient to determine the role of this variant in disease. Therefore, it has been classified as a Variant of Uncertain Significance. Algorithms developed to predict the effect of missense changes on protein structure and function are either unavailable or do not agree on the potential impact of this missense change (SIFT: "Tolerated"; PolyPhen-2: "Probably Damaging"; Align-GVGD: "Class C0"). This variant has not been reported in the literature in individuals affected with MYPN-related conditions. This variant is present in population databases (rs772265631, gnomAD 0.01%). This sequence change replaces arginine, which is basic and polar, with glutamine, which is neutral and polar, at codon 206 of the MYPN protein (p.Arg206Gln).